The following is an entry in ClinVar:

ClinVar aggregate classification (germline): Uncertain significance. Review status: criteria provided, multiple submitters, no conflicts (2 of 4 stars). 2 submissions from 2 submitters: Uncertain significance (2). Last evaluated 2025-09-24.

Conditions:
ACAD9-related disorder. Also called: ACAD9-related condition.

Submissions (2):

PreventionGenetics, part of Exact Sciences
Classification: Uncertain significance for ACAD9-related condition. Last evaluated: 2025-09-24. Review status: criteria provided, single submitter. Criteria: ACMG Guidelines, 2015. Collection method: clinical testing. Allele origin: germline.
Comment: The ACAD9 c.1168G>T variant is predicted to result in the amino acid substitution p.Ala390Ser. To our knowledge, this variant has not been reported in the literature or in a large population database (gnomAD), indicating this variant is rare. Of note, other variants impacting the same amino acid (p.Ala390Thr and p.Ala390Val) have been documented in individuals with ACAD9-related disorder (Schrank et al. 2017. PubMed ID: 28279569; Table S1 in Repp et al. 2018. PubMed ID: 30025539; Supplementary Table 1 in Lunke et al. 2023. PubMed ID: 37291213). Although we suspect that the c.1168G>T (p.Ala390Ser) variant may be pathogenic, at this time, the clinical significance of this variant is uncertain due to the absence of conclusive functional and genetic evidence.

Labcorp Genetics (formerly Invitae), Labcorp
Classification: Uncertain significance. Last evaluated: 2022-03-24. Review status: criteria provided, single submitter. Criteria: Invitae Variant Classification Sherloc (09022015). Collection method: clinical testing. Allele origin: germline.
Comment: This sequence change replaces alanine, which is neutral and non-polar, with serine, which is neutral and polar, at codon 390 of the ACAD9 protein (p.Ala390Ser). This variant is not present in population databases (gnomAD no frequency). This variant has not been reported in the literature in individuals affected with ACAD9-related conditions. Algorithms developed to predict the effect of missense changes on protein structure and function (SIFT, PolyPhen-2, Align-GVGD) all suggest that this variant is likely to be tolerated. This variant disrupts the p.Ala390 amino acid residue in ACAD9. Other variant(s) that disrupt this residue have been determined to be pathogenic (PMID: 28279569, 30025539). This suggests that this residue is clinically significant, and that variants that disrupt this residue are likely to be disease-causing. In summary, the available evidence is currently insufficient to determine the role of this variant in disease. Therefore, it has been classified as a Variant of Uncertain Significance.

Literature cited by the submitters: PubMed 28279569 (cited by Labcorp Genetics (formerly Invitae), Labcorp); PubMed 30025539 (cited by Labcorp Genetics (formerly Invitae), Labcorp).

NM_014049.5(ACAD9):c.1168G>T (p.Ala390Ser)

Gene: ACAD9 (acyl-CoA dehydrogenase family member 9; plus strand). Cytogenetic location: 3q21.3.
Variant type: single nucleotide variant.
Coding change: c.1168G>T on transcript NM_014049.5 (MANE Select); coding-DNA position 1168, G replaced by T.
Protein change: p.Ala390Ser; replaces alanine 390 with serine.
Molecular consequence: missense variant. On other transcripts: non-coding transcript variant (1).
Genome position (GRCh38, 1-based): chr3:128,906,139, G>T. VCF-style: chr3-128906139-G-T. GRCh37 (hg19) VCF-style: chr3-128624982-G-T.
Other names: c.1168G>T (NM_014049.4); c.799G>T, p.Ala267Ser (NM_001410805.1); short protein forms A267S, A390S.
Identifiers: ClinVar variation 1955176 (VCV001955176.3), dbSNP rs763004980, ClinGen allele CA354437054.
Genomic context (GRCh38, chr3:128,906,139, plus strand): 5'-TAGGTCCTCCTTTTGGAAAGGATTCAGTGTGACACCCCACAGGTGTTCAGCTCCGAGGCC[G>T]CCTGGCAGTGTGTGAGTGAGGCGCTGCAGATCCTCGGGGGCTTGGGCTACACAAGGGACT-3'
Protein context (NP_054768.2, residues 380-400): AMVKVFSSEA[Ala390Ser]WQCVSEALQI